The following is an entry in ClinVar:

NM_003907.3(EIF2B5):c.37G>A (p.Val13Ile)

Gene: EIF2B5 (eukaryotic translation initiation factor 2B subunit epsilon; plus strand). Cytogenetic location: 3q27.1.
Variant type: single nucleotide variant.
Coding change: c.37G>A on transcript NM_003907.3 (MANE Select); coding-DNA position 37, G replaced by A.
Protein change: p.Val13Ile; replaces valine 13 with isoleucine.
Molecular consequence: missense variant.
Genome position (GRCh38, 1-based): chr3:184,135,422, G>A. VCF-style: chr3-184135422-G-A. GRCh37 (hg19) VCF-style: chr3-183853210-G-A.
Other names: short protein forms V13I.
Identifiers: ClinVar variation 585846 (VCV000585846.5), dbSNP rs577738220, ClinGen allele CA2726304.

ClinVar aggregate classification (germline): Uncertain significance. Review status: criteria provided, multiple submitters, no conflicts (2 of 4 stars). 2 submissions from 2 submitters: Uncertain significance (2). Last evaluated 2024-02-24.

Allele frequency attached by ClinVar (database versions not stated): gnomAD exomes 0.00001 and 0.00002; ExAC 0.00003; gnomAD 0.00006; TOPMed 0.00008; 1000 Genomes Project 30x 0.00016; 1000 Genomes Project 0.00020.
gnomAD v4.1: 18 of 1,582,636 alleles (0.0011%); highest among the groups gnomAD compares: African/African-American, 0.024%; no homozygotes.

Submissions (2):

Labcorp Genetics (formerly Invitae), Labcorp
Classification: Uncertain significance. Last evaluated: 2024-02-24. Review status: criteria provided, single submitter. Criteria: Invitae Variant Classification Sherloc (09022015). Collection method: clinical testing. Allele origin: germline.
Comment: This sequence change replaces valine, which is neutral and non-polar, with isoleucine, which is neutral and non-polar, at codon 13 of the EIF2B5 protein (p.Val13Ile). The frequency data for this variant in the population databases is considered unreliable, as metrics indicate poor data quality at this position in the gnomAD database. This variant has not been reported in the literature in individuals affected with EIF2B5-related conditions. ClinVar contains an entry for this variant (Variation ID: 585846). Advanced modeling of protein sequence and biophysical properties (such as structural, functional, and spatial information, amino acid conservation, physicochemical variation, residue mobility, and thermodynamic stability) performed at Invitae indicates that this missense variant is not expected to disrupt EIF2B5 protein function with a negative predictive value of 95%. In summary, the available evidence is currently insufficient to determine the role of this variant in disease. Therefore, it has been classified as a Variant of Uncertain Significance.

Athena Diagnostics
Classification: Uncertain significance. Last evaluated: 2018-01-18. Review status: criteria provided, single submitter. Criteria: Athena Diagnostics Criteria. Collection method: clinical testing. Allele origin: germline.